The following is an entry in ClinVar:

ClinVar aggregate classification (germline): Likely benign (1 of 4 stars; one submission).

gnomAD v4.1: 5 of 1,614,058 alleles (0.00031%); highest among the groups gnomAD compares: Non-Finnish European, 0.00034%; no homozygotes.

Submission:

CeGaT Center for Human Genetics Tuebingen
Classification: Likely benign. Last evaluated: 2025-09-01. Review status: criteria provided, single submitter. Criteria: CeGaT Center For Human Genetics Tuebingen Variant Classification Criteria Version 2. Collection method: clinical testing. Allele origin: germline. Affected: yes. Observed: 1 variant allele.
Comment: KCNN2: BS2

NM_021614.4(KCNN2):c.2156T>C (p.Ile719Thr)

Genes: KCNN2 (potassium calcium-activated channel subfamily N member 2; plus strand), KCNN2-AS1 (KCNN2 antisense RNA 1; minus strand). Cytogenetic location: 5q22.3.
Variant type: single nucleotide variant.
Coding change: c.2156T>C on transcript NM_021614.4 (MANE Select); coding-DNA position 2156, T replaced by C.
Protein change: p.Ile719Thr; replaces isoleucine 719 with threonine.
Molecular consequence: missense variant. On other transcripts: non-coding transcript variant (2).
Genome position (GRCh38, 1-based): chr5:114,495,962, T>C. VCF-style: chr5-114495962-T-C. GRCh37 (hg19) VCF-style: chr5-113831659-T-C.
Other names: c.2354T>C, p.Ile785Thr (NM_001372233.1); c.476T>C, p.Ile159Thr (NM_170775.3); short protein forms I159T, I719T, I785T.
Identifiers: ClinVar variation 4281266 (VCV004281266.7).